The following is an entry in ClinVar:

ClinVar aggregate classification (germline): Likely benign (0 of 4 stars; one submission).

Conditions:
CLPTM1L-related disorder. Also called: CLPTM1L-related condition.

Allele frequency attached by ClinVar (database versions not stated): TOPMed 0.00004; ESP Exome Variant Server 0.00008.
gnomAD v4.1: 60 of 1,607,350 alleles (0.0037%); highest among the groups gnomAD compares: South Asian, 0.036%; no homozygotes.

Submission:

PreventionGenetics, part of Exact Sciences
Classification: Likely benign for CLPTM1L-related condition. Last evaluated: 2019-06-08. Review status: no assertion criteria provided. Collection method: clinical testing. Allele origin: germline.
Comment: This variant is classified as likely benign based on ACMG/AMP sequence variant interpretation guidelines (Richards et al. 2015 PMID: 25741868, with internal and published modifications).

NM_030782.5(CLPTM1L):c.1080+9C>T

Gene: CLPTM1L (CLPTM1 like). Cytogenetic location: 5p15.33.
Variant type: single nucleotide variant.
Coding change: c.1080+9C>T on transcript NM_030782.5 (MANE Select); 9 bases into the intron after coding-DNA position 1080, C replaced by T.
Molecular consequence: intron variant.
Genome position (GRCh38, 1-based): chr5:1,330,271, G>A on the plus strand (C>T on the coding strand, the complement: CLPTM1L is on the minus strand). VCF-style: chr5-1330271-G-A. GRCh37 (hg19) VCF-style: chr5-1330386-G-A.
Identifiers: ClinVar variation 3044441 (VCV003044441.2), dbSNP rs367942927, ClinGen allele CA3185323.